The following is an entry in ClinVar:

NM_004360.5(CDH1):c.274C>T (p.His92Tyr)

Gene: CDH1 (cadherin 1; plus strand). Cytogenetic location: 16q22.1.
Variant type: single nucleotide variant.
Coding change: c.274C>T on transcript NM_004360.5 (MANE Select); coding-DNA position 274, C replaced by T.
Protein change: p.His92Tyr; replaces histidine 92 with tyrosine.
Molecular consequence: missense variant. On other transcripts: 5 prime UTR variant (2).
Genome position (GRCh38, 1-based): chr16:68,801,780, C>T. VCF-style: chr16-68801780-C-T. GRCh37 (hg19) VCF-style: chr16-68835683-C-T.
Other names: c.274C>T, p.His92Tyr (NM_001317184.2); c.-1342C>T (NM_001317185.2); c.-1546C>T (NM_001317186.2); short protein forms H92Y.
Identifiers: ClinVar variation 4724915 (VCV004724915.1).
Genomic context (GRCh38, chr16:68,801,780, plus strand): 5'-GACACCCGATTCAAAGTGGGCACAGATGGTGTGATTACAGTCAAAAGGCCTCTACGGTTT[C>T]ATAACCCACAGATCCATTTCTTGGTCTACGCCTGGGACTCCACCTACAGAAAGTTTTCCA-3'
Protein context (NP_004351.1, residues 82-102): VITVKRPLRF[His92Tyr]NPQIHFLVYA

ClinVar aggregate classification (germline): Uncertain significance (1 of 4 stars; one submission).

Conditions:
Hereditary diffuse gastric adenocarcinoma (HDGC). Also called: DIFFUSE GASTRIC AND LOBULAR BREAST CANCER SYNDROME. Identifiers: Orphanet 26106, MedGen C1708349, MONDO:0007648, OMIM 137215.

Submission:

Labcorp Genetics (formerly Invitae), Labcorp
Classification: Uncertain significance for Hereditary diffuse gastric adenocarcinoma. Last evaluated: 2025-12-18. Review status: criteria provided, single submitter. Criteria: Invitae Variant Classification Sherloc (09022015). Collection method: clinical testing. Allele origin: germline.
Comment: This sequence change replaces histidine, which is basic and polar, with tyrosine, which is neutral and polar, at codon 92 of the CDH1 protein (p.His92Tyr). This variant is not present in population databases (gnomAD no frequency). This variant has not been reported in the literature in individuals affected with CDH1-related conditions. An algorithm developed to predict the effect of missense changes on protein structure and function (PolyPhen-2) suggests that this variant is likely to be tolerated. In summary, the available evidence is currently insufficient to determine the role of this variant in disease. Therefore, it has been classified as a Variant of Uncertain Significance.